The following is an entry in ClinVar:

ClinVar aggregate classification (germline): Uncertain significance (1 of 4 stars; one submission).

Conditions:
Idiopathic Pulmonary Fibrosis. Also called: Idiopathic fibrosing alveolitis, chronic form; idiopathic fibrosing alveolitis. Identifiers: Orphanet 2032, MedGen C1800706, MeSH D054990, MONDO:0800504.
Dyskeratosis congenita, autosomal dominant 2. Identifiers: MedGen C3151443, MONDO:0013521, OMIM 613989.

Submission:

Labcorp Genetics (formerly Invitae), Labcorp
Classification: Uncertain significance for Dyskeratosis congenita, autosomal dominant 2; Idiopathic Pulmonary Fibrosis. Last evaluated: 2020-07-08. Review status: criteria provided, single submitter. Criteria: Invitae Variant Classification Sherloc (09022015). Collection method: clinical testing. Allele origin: germline.
Comment: This variant is an in-frame deletion of the genomic region encompassing exon(s) 9 of the TERT gene. It preserves the integrity of the reading frame. This variant has not been reported in the literature in individuals with TERT-related conditions. Experimental studies and prediction algorithms are not available or were not evaluated, and the functional significance of this variant is currently unknown. In summary, the available evidence is currently insufficient to determine the role of this variant in disease. Therefore, it has been classified as a Variant of Uncertain Significance.

NC_000005.9:g.(?_1268615)_(1268768_?)del

Gene: TERT (telomerase reverse transcriptase; minus strand). Cytogenetic location: 5p15.33.
Variant type: Deletion.
Identifiers: ClinVar variation 1064383 (VCV001064383.43).